The following is an entry in ClinVar:

NM_138636.5(TLR8):c.1172T>C (p.Met391Thr)

Genes: TLR8 (toll like receptor 8; plus strand), TLR8-AS1 (TLR8 antisense RNA 1; minus strand). Cytogenetic location: Xp22.2.
Variant type: single nucleotide variant.
Coding change: c.1172T>C on transcript NM_138636.5 (MANE Select); coding-DNA position 1172, T replaced by C.
Protein change: p.Met391Thr; replaces methionine 391 with threonine.
Molecular consequence: missense variant.
Genome position (GRCh38, 1-based): chrX:12,920,212, T>C. VCF-style: chrX-12920212-T-C. GRCh37 (hg19) VCF-style: chrX-12938331-T-C.
Other names: c.1226T>C, p.Met409Thr (NM_016610.4); short protein forms M391T, M409T.
Identifiers: ClinVar variation 2660018 (VCV002660018.24), dbSNP rs751271824, ClinGen allele CA10350264.

ClinVar aggregate classification (germline): Uncertain significance (1 of 4 stars; one submission).

Allele frequency attached by ClinVar (database versions not stated): ExAC 0.00001; TOPMed 0.00002; gnomAD 0.00004.
gnomAD v4.1: 79 of 1,207,843 alleles (0.0065%); highest among the groups gnomAD compares: Non-Finnish European, 0.0077%; no homozygotes.

Submission:

CeGaT Center for Human Genetics Tuebingen
Classification: Uncertain significance. Last evaluated: 2022-05-01. Review status: criteria provided, single submitter. Criteria: CeGaT Center For Human Genetics Tuebingen Variant Classification Criteria Version 2. Collection method: clinical testing. Allele origin: germline. Affected: yes. Observed: 1 variant allele.
Comment: TLR8: PM2, BP4